The following is an entry in ClinVar:

ClinVar aggregate classification (germline): Likely pathogenic (1 of 4 stars; one submission).

Conditions:
Glycogen storage disease, type II (IOPD). Also called: Pompe Disease; CARDIOMEGALIA GLYCOGENICA DIFFUSA; GLYCOGENOSIS, GENERALIZED, CARDIAC FORM; GSD II; POMPE DISEASE, INFANTILE-ONSET; GLYCOGEN STORAGE DISEASE II, INFANTILE-ONSET. Identifiers: Orphanet 365, MedGen C0017921, MONDO:0009290, OMIM 232300.

Submission:

Genomenon, Inc
Classification: Likely pathogenic for Glycogen storage disease, type II. Last evaluated: 2026-07-01. Review status: criteria provided, single submitter. Criteria: Genomenon Sequence Variant Interpretation Standards - Updated. Collection method: curation. Allele origin: germline. Affected: yes.
Comment: GAA p.Thr234Arg (c.701C>G) is a missense variant that changes the amino acid at codon 234 from Threonine to Arginine. This variant has been observed in at least one proband with a GAA-related disorder in the compound heterozygous and/or homozygous state (PMID:32248831). At least one functional study has demonstrated a substantial alteration in protein function relative to the wild-type (PMID:22644586). It is absent or not present at a significant frequency in gnomAD. In silico models predict that this variant is possibly or probably damaging. In conclusion, we classify GAA p.Thr234Arg (c.701C>G) as a likely pathogenic variant.

Literature cited by the submitters: PubMed 32248831; PubMed 22644586.

NM_000152.5(GAA):c.701C>G (p.Thr234Arg)

Gene: GAA (alpha glucosidase; plus strand). Cytogenetic location: 17q25.3.
Variant type: single nucleotide variant.
Coding change: c.701C>G on transcript NM_000152.5 (MANE Select); coding-DNA position 701, C replaced by G.
Protein change: p.Thr234Arg; replaces threonine 234 with arginine.
Molecular consequence: missense variant.
Genome position (GRCh38, 1-based): chr17:80,107,565, C>G. VCF-style: chr17-80107565-C-G. GRCh37 (hg19) VCF-style: chr17-78081364-C-G.
Other names: c.701C>G, p.Thr234Arg (NM_001079803.3, NM_001079804.3, NM_001406741.1 and 1 more transcripts); short protein forms T234R.
Identifiers: ClinVar variation 4876270 (VCV004876270.1).